The following is an entry in ClinVar:

ClinVar aggregate classification (germline): Benign/Likely benign. Review status: criteria provided, multiple submitters, no conflicts (2 of 4 stars). 17 submissions from 14 submitters: Benign (11); Likely benign (1). 5 of the submissions do not count toward it. Last evaluated 2026-02-04.

Conditions:
Autosomal recessive limb-girdle muscular dystrophy type 2J (LGMDR10). Also called: Limb-girdle muscular dystrophy, type 2J; MUSCULAR DYSTROPHY, LIMB-GIRDLE, AUTOSOMAL RECESSIVE 10. Identifiers: Orphanet 140922, MedGen C1837342, MONDO:0012127, OMIM 608807.
Dilated cardiomyopathy 1G (CMD1G). Identifiers: Orphanet 154, MedGen C1858763, MONDO:0011400, OMIM 604145.
Early-onset myopathy with fatal cardiomyopathy (CMYO5). Also called: Salih Myopathy; CONGENITAL MYOPATHY 5 WITH CARDIOMYOPATHY. Identifiers: Orphanet 289377, MedGen C2673677, MONDO:0012714, OMIM 611705. Disease mechanism: loss of function.
Myopathy, myofibrillar, 9, with early respiratory failure (MFM9). Also called: EDSTROM MYOPATHY; MYOPATHY, PROXIMAL, WITH EARLY RESPIRATORY MUSCLE INVOLVEMENT; Hereditary myopathy with early respiratory failure; Myopathy, distal, with early respiratory failure, autosomal dominant. Identifiers: Orphanet 178464, Orphanet 34521, MedGen C1863599, MONDO:0011362, OMIM 603689.
Tibial muscular dystrophy (TMD). Also called: Udd Distal Myopathy – Tibial Muscular Dystrophy; UDD MYOPATHY; Tibial muscular dystrophy, tardive. Identifiers: Orphanet 609, MedGen C1838244, MONDO:0010870, OMIM 600334.

Allele frequency attached by ClinVar (database versions not stated): 1000 Genomes Project 30x 0.00531; TOPMed 0.00872; gnomAD 0.01027 and 0.01069; ESP Exome Variant Server 0.01073; gnomAD exomes 0.01106; ExAC 0.01139; 1000 Genomes Project 0.00519.
gnomAD v4.1: 21,875 of 1,613,732 alleles (1.4%); highest among the groups gnomAD compares: Non-Finnish European, 1.6%; 185 homozygotes.

Submissions (17):

Labcorp Genetics (formerly Invitae), Labcorp
Classification: Benign for Dilated cardiomyopathy 1G; Autosomal recessive limb-girdle muscular dystrophy type 2J. Last evaluated: 2026-02-04. Review status: criteria provided, single submitter. Criteria: Invitae Variant Classification Sherloc (09022015). Collection method: clinical testing. Allele origin: germline.

ARUP Laboratories, Molecular Genetics and Genomics, ARUP Laboratories
Classification: Benign. Last evaluated: 2025-05-01. Review status: criteria provided, single submitter. Criteria: ARUP Molecular Germline Variant Investigation Process 2024. Collection method: clinical testing. Allele origin: germline.

Molecular Diagnostic Laboratory for Inherited Cardiovascular Disease, Montreal Heart Institute
Classification: Benign. Last evaluated: 2025-04-09. Review status: criteria provided, single submitter. Criteria: ACMG Guidelines, 2015. Collection method: clinical testing. Allele origin: germline. Affected: no.

Blueprint Genetics
Classification: Likely benign. Last evaluated: 2024-11-26. Review status: criteria provided, single submitter. Criteria: ACMG Guidelines, 2015. Collection method: clinical testing. Allele origin: germline.

Athena Diagnostics
Classification: Benign. Last evaluated: 2024-04-25. Review status: criteria provided, single submitter. Criteria: Athena Diagnostics Criteria. Collection method: clinical testing. Allele origin: unknown.

Genome-Nilou Lab
Classification: Benign for Autosomal recessive limb-girdle muscular dystrophy type 2J. Last evaluated: 2021-09-10. Review status: criteria provided, single submitter. Criteria: ACMG Guidelines, 2015. Collection method: clinical testing. Allele origin: germline. Affected: no.

Genome-Nilou Lab
Classification: Benign for Myopathy, myofibrillar, 9, with early respiratory failure. Last evaluated: 2021-09-10. Review status: criteria provided, single submitter. Criteria: ACMG Guidelines, 2015. Collection method: clinical testing. Allele origin: germline. Affected: no.

Genome-Nilou Lab
Classification: Benign for Early-onset myopathy with fatal cardiomyopathy. Last evaluated: 2021-09-10. Review status: criteria provided, single submitter. Criteria: ACMG Guidelines, 2015. Collection method: clinical testing. Allele origin: germline. Affected: no.

Genome-Nilou Lab
Classification: Benign for Tibial muscular dystrophy. Last evaluated: 2021-09-10. Review status: criteria provided, single submitter. Criteria: ACMG Guidelines, 2015. Collection method: clinical testing. Allele origin: germline. Affected: no.

GeneDx
Classification: Benign. Last evaluated: 2014-01-09. Review status: criteria provided, single submitter. Criteria: GeneDx Variant Classification (06012015). Collection method: clinical testing. Allele origin: germline. Affected: yes.
Comment: This variant is considered likely benign or benign based on one or more of the following criteria: it is a conservative change, it occurs at a poorly conserved position in the protein, it is predicted to be benign by multiple in silico algorithms, and/or has population frequency not consistent with disease.

Laboratory for Molecular Medicine, Mass General Brigham Personalized Medicine
Classification: Benign. Last evaluated: 2011-10-12. Review status: criteria provided, single submitter. Criteria: LMM Criteria. Collection method: clinical testing. Allele origin: germline. Observed: 44 variant alleles.
Comment: Silent variant: classified as benign based on population frequency of >1%

Breakthrough Genomics
Classification: Benign. Review status: criteria provided, single submitter. Criteria: ACMG Guidelines, 2015. Collection method: not provided. Allele origin: germline. Inheritance: Autosomal recessive inheritance. Affected: yes.

Clinical Genetics DNA and cytogenetics Diagnostics Lab, Erasmus MC, Erasmus Medical Center
Classification: Benign. Review status: no assertion criteria provided. Collection method: clinical testing. Allele origin: germline. Affected: yes. Study: VKGL Data-share Consensus. Not counted in ClinVar's aggregate classification.

Clinical Genetics, Academic Medical Center
Classification: Benign. Review status: no assertion criteria provided. Collection method: clinical testing. Allele origin: germline. Affected: yes. Study: VKGL Data-share Consensus. Not counted in ClinVar's aggregate classification.

Diagnostic Laboratory, Department of Genetics, University Medical Center Groningen
Classification: Likely benign. Review status: no assertion criteria provided. Collection method: clinical testing. Allele origin: germline. Affected: yes. Study: VKGL Data-share Consensus. Not counted in ClinVar's aggregate classification.

Joint Genome Diagnostic Labs from Nijmegen and Maastricht, Radboudumc and MUMC+
Classification: Benign. Review status: no assertion criteria provided. Collection method: clinical testing. Allele origin: germline. Affected: yes. Study: VKGL Data-share Consensus. Not counted in ClinVar's aggregate classification.

Laboratory of Diagnostic Genome Analysis, Leiden University Medical Center (LUMC)
Classification: Likely benign. Review status: no assertion criteria provided. Collection method: clinical testing. Allele origin: germline. Affected: yes. Study: VKGL Data-share Consensus. Not counted in ClinVar's aggregate classification.

NM_001267550.2(TTN):c.11019C>T (p.Cys3673=)

Gene: TTN (titin; minus strand). Cytogenetic location: 2q31.2.
Variant type: single nucleotide variant.
Coding change: c.11019C>T on transcript NM_001267550.2 (MANE Select); coding-DNA position 11019, C replaced by T.
Protein change: p.Cys3673=; no amino-acid change (cysteine 3673 retained).
Molecular consequence: synonymous variant. On other transcripts: intron variant (5).
Genome position (GRCh38, 1-based): chr2:178,756,457, G>A on the plus strand (C>T on the coding strand, the complement: TTN is on the minus strand). VCF-style: chr2-178756457-G-A. GRCh37 (hg19) VCF-style: chr2-179621184-G-A.
Other names: p.C3502C:TGC>TGT; c.10303+2527C>T (NM_001256850.1, NM_133378.4, NM_133379.5); c.10506C>T, p.Cys3502= (NM_133437.4); c.10165+2527C>T (NM_003319.4); c.10540+1085C>T (NM_133432.3).
Identifiers: ClinVar variation 47850 (VCV000047850.44), dbSNP rs72955212, ClinGen allele CA284595.
Genomic context (GRCh38, chr2:178,756,457, plus strand): 5'-CCAGGTTACATCAATGAAAGAATCATCTTTTAAAACACAGAGGAATTGAGCCGTGTCACC[G>A]CACTTTACAGTGACGTCCTGAAGATGCAGGAAAATCTTGGGCGCCTCACCCGTGGACTCT-3'
Protein context (NP_001254479.2, residues 3663-3683): FLHLQDVTVK[Cys3673=]GDTAQFLCVL